The following is an entry in ClinVar:

NM_022436.3(ABCG5):c.905-3T>C

Genes: ABCG5 (ATP binding cassette subfamily G member 5; minus strand), DYNC2LI1 (dynein cytoplasmic 2 light intermediate chain 1; plus strand). Cytogenetic location: 2p21.
Variant type: single nucleotide variant.
Coding change: c.905-3T>C on transcript NM_022436.3 (MANE Select); 3 bases into the intron before coding-DNA position 905, T replaced by C.
Molecular consequence: intron variant.
Genome position (GRCh38, 1-based): chr2:43,824,435, A>G on the plus strand (T>C on the coding strand, the complement: ABCG5 is on the minus strand). VCF-style: chr2-43824435-A-G. GRCh37 (hg19) VCF-style: chr2-44051574-A-G.
Other names: c.*16-2951A>G (NM_001348913.2, NM_001348912.2).
Identifiers: ClinVar variation 2143680 (VCV002143680.3), dbSNP rs754306032, ClinGen allele CA1636446.
Genomic context (GRCh38, chr2:43,824,435, plus strand): 5'-CTCTTGGAGGTTTCTATTTCCCGTTCCTTGCTTTGGGTATCCACTGACGTCAGGTCCACT[A>G]AAAGTTTTTCCCAAAAGATGTCACCCATGTGTTTTTAAATGCATGTATGTACATGGATAT-3'

ClinVar aggregate classification (germline): Uncertain significance (1 of 4 stars; one submission).

Conditions:
Sitosterolemia (STSL). Also called: PHYTOSTEROLEMIA. Identifiers: Orphanet 2882, MedGen C0342907, MONDO:0008863.

Allele frequency attached by ClinVar (database versions not stated): ExAC 0.00003; TOPMed 0.00013; gnomAD 0.00011.
gnomAD v4.1: 25 of 1,613,384 alleles (0.0015%); highest among the groups gnomAD compares: African/African-American, 0.031%; no homozygotes.

Submission:

Labcorp Genetics (formerly Invitae), Labcorp
Classification: Uncertain significance for Sitosterolemia. Last evaluated: 2022-02-12. Review status: criteria provided, single submitter. Criteria: Invitae Variant Classification Sherloc (09022015). Collection method: clinical testing. Allele origin: germline.
Comment: In summary, the available evidence is currently insufficient to determine the role of this variant in disease. Therefore, it has been classified as a Variant of Uncertain Significance. Variants that disrupt the consensus splice site are a relatively common cause of aberrant splicing (PMID: 17576681, 9536098). Algorithms developed to predict the effect of sequence changes on RNA splicing suggest that this variant may create or strengthen a splice site. This variant has not been reported in the literature in individuals affected with ABCG5-related conditions. This variant is present in population databases (rs754306032, gnomAD 0.04%). This sequence change falls in intron 7 of the ABCG5 gene. It does not directly change the encoded amino acid sequence of the ABCG5 protein. It affects a nucleotide within the consensus splice site.

Literature cited by the submitters: PubMed 17576681; PubMed 9536098.